The following is an entry in ClinVar:

NM_001282322.3(RNF212B):c.648G>A (p.Pro216=)

Gene: RNF212B (ring finger protein 212B; plus strand). Cytogenetic location: 14q11.2.
Variant type: single nucleotide variant.
Coding change: c.648G>A on transcript NM_001282322.3 (MANE Select); coding-DNA position 648, G replaced by A.
Protein change: p.Pro216=; no amino-acid change (proline 216 retained).
Molecular consequence: synonymous variant.
Genome position (GRCh38, 1-based): chr14:23,268,937, G>A. VCF-style: chr14-23268937-G-A. GRCh37 (hg19) VCF-style: chr14-23738146-G-A.
Other names: c.648G>A, p.Pro216= (NM_001370218.3).
Identifiers: ClinVar variation 3771490 (VCV003771490.13).

ClinVar aggregate classification (germline): Likely benign (1 of 4 stars; one submission).

gnomAD v4.1: 20 of 1,550,378 alleles (0.0013%); highest among the groups gnomAD compares: African/African-American, 0.019%; no homozygotes.

Submission:

CeGaT Center for Human Genetics Tuebingen
Classification: Likely benign. Last evaluated: 2025-01-01. Review status: criteria provided, single submitter. Criteria: CeGaT Center For Human Genetics Tuebingen Variant Classification Criteria Version 2. Collection method: clinical testing. Allele origin: germline. Affected: yes. Observed: 1 variant allele.
Comment: RNF212B: BP4, BP7